The following is an entry in ClinVar:

NM_001854.4(COL11A1):c.4087-4A>G

Gene: COL11A1 (collagen type XI alpha 1 chain; minus strand). Cytogenetic location: 1p21.1.
Variant type: single nucleotide variant.
Coding change: c.4087-4A>G on transcript NM_001854.4 (MANE Select); 4 bases into the intron before coding-DNA position 4087, A replaced by G.
Molecular consequence: intron variant.
Genome position (GRCh38, 1-based): chr1:102,898,998, T>C on the plus strand (A>G on the coding strand, the complement: COL11A1 is on the minus strand). VCF-style: chr1-102898998-T-C. GRCh37 (hg19) VCF-style: chr1-103364554-T-C.
Other names: c.3970-4A>G (NM_001190709.2); c.4123-4A>G (NM_080629.3); c.3739-4A>G (NM_080630.4).
Identifiers: ClinVar variation 514876 (VCV000514876.19), dbSNP rs137999403, ClinGen allele CA973675.

ClinVar aggregate classification (germline): Conflicting classifications of pathogenicity. Review status: criteria provided, conflicting classifications (1 of 4 stars). 6 submissions from 5 submitters: Uncertain significance (2); Benign (1); Likely benign (2). 1 of the submissions does not count toward it. Last evaluated 2025-12-08.

Conditions:
COL11A1-related disorder. Also called: COL11A1-related disorders; COL11A1-related condition.
Fibrochondrogenesis 1 (FBCG1). Identifiers: Orphanet 2021, MedGen C3278138, MONDO:0009226, OMIM 228520.
Stickler syndrome type 2 (STL2). Also called: STICKLER SYNDROME, BEADED VITREOUS TYPE; STICKLER SYNDROME, VITREOUS TYPE 2; STICKLER SYNDROME, TYPE II; COL11A1-Related Stickler Syndrome. Identifiers: Orphanet 828, Orphanet 90654, MedGen C1858084, MONDO:0011493, OMIM 604841.

Allele frequency attached by ClinVar (database versions not stated): gnomAD exomes 0.00008 and 0.00015; TOPMed 0.00008; gnomAD 0.00009 and 0.00010; ExAC 0.00011; ESP Exome Variant Server 0.00015; 1000 Genomes Project 30x 0.00062; 1000 Genomes Project 0.00080.
gnomAD v4.1: 215 of 1,532,854 alleles (0.014%); highest among the groups gnomAD compares: Non-Finnish European, 0.018%; no homozygotes.

Submissions (6):

Labcorp Genetics (formerly Invitae), Labcorp
Classification: Benign. Last evaluated: 2025-12-08. Review status: criteria provided, single submitter. Criteria: Invitae Variant Classification Sherloc (09022015). Collection method: clinical testing. Allele origin: germline.

Blueprint Genetics
Classification: Likely benign. Last evaluated: 2024-03-28. Review status: criteria provided, single submitter. Criteria: ACMG Guidelines, 2015. Collection method: clinical testing. Allele origin: germline.

GeneDx
Classification: Likely benign. Last evaluated: 2021-04-01. Review status: criteria provided, single submitter. Criteria: GeneDx Variant Classification Process June 2021. Collection method: clinical testing. Allele origin: germline. Affected: yes.

Illumina Laboratory Services, Illumina
Classification: Uncertain significance for Stickler syndrome type 2. Last evaluated: 2018-01-13. Review status: criteria provided, single submitter. Criteria: ICSL Variant Classification Criteria 13 December 2019. Collection method: clinical testing. Allele origin: germline.

Illumina Laboratory Services, Illumina
Classification: Uncertain significance for Fibrochondrogenesis 1. Last evaluated: 2018-01-13. Review status: criteria provided, single submitter. Criteria: ICSL Variant Classification Criteria 13 December 2019. Collection method: clinical testing. Allele origin: germline.

PreventionGenetics, part of Exact Sciences
Classification: Likely benign for COL11A1-related condition. Last evaluated: 2020-08-25. Review status: no assertion criteria provided. Collection method: clinical testing. Allele origin: germline. Not counted in ClinVar's aggregate classification.
Comment: This variant is classified as likely benign based on ACMG/AMP sequence variant interpretation guidelines (Richards et al. 2015 PMID: 25741868, with internal and published modifications).